The following is an entry in ClinVar:

NM_001005361.3(DNM2):c.2061G>A (p.Thr687=)

Gene: DNM2 (dynamin 2; plus strand). Cytogenetic location: 19p13.2.
Variant type: single nucleotide variant.
Coding change: c.2061G>A on transcript NM_001005361.3 (MANE Select); coding-DNA position 2061, G replaced by A.
Protein change: p.Thr687=; no amino-acid change (threonine 687 retained).
Molecular consequence: synonymous variant.
Genome position (GRCh38, 1-based): chr19:10,829,038, G>A. VCF-style: chr19-10829038-G-A. GRCh37 (hg19) VCF-style: chr19-10939714-G-A.
Other names: p.Thr687=; c.2061G>A, p.Thr687= (NM_001005360.3, NM_001190716.2); c.2049G>A, p.Thr683= (NM_001005362.3, NM_004945.4).
Identifiers: ClinVar variation 327986 (VCV000327986.46), dbSNP rs149164657, ClinGen allele CA9201517.
Genomic context (GRCh38, chr19:10,829,038, plus strand): 5'-TGTGGGTTCTGGGTTGGGGTGATACACAAGCCTGACCCTCCCCAACCCCTGCCCGCAGAC[G>A]AAGGCCTTCATCCACCACGAGCTGCTGGCCTACCTATACTCCTCGGCAGACCAGAGCAGC-3'
Protein context (NP_001005361.1, residues 677-697): KTIMHLMINN[Thr687=]KAFIHHELLA

ClinVar aggregate classification (germline): Benign/Likely benign. Review status: criteria provided, multiple submitters, no conflicts (2 of 4 stars). 10 submissions from 9 submitters: Benign (6); Likely benign (4). Last evaluated 2026-01-26.

Conditions:
Autosomal dominant centronuclear myopathy. Also called: MYOTUBULAR MYOPATHY, AUTOSOMAL DOMINANT; Myopathy, centronuclear, 3. Identifiers: Orphanet 169189, MedGen C4551952, MeSH D020914, MONDO:0008048, OMIM 160150.
Charcot-Marie-Tooth disease dominant intermediate B (CMTDIB). Also called: CHARCOT-MARIE-TOOTH NEUROPATHY, DOMINANT INTERMEDIATE B; Charcot-Marie-Tooth disease dominant intermediate 1; CMT DI1; Charcot-Marie-Tooth disease dominant intermediate I. Identifiers: Orphanet 100044, Orphanet 228179, MedGen C1847902, MONDO:0011674, OMIM 606482.
Inborn genetic diseases. Identifiers: MedGen C0950123, MeSH D030342.

Allele frequency attached by ClinVar (database versions not stated): ESP Exome Variant Server 0.00015; 1000 Genomes Project 30x 0.00016; 1000 Genomes Project 0.00020; TOPMed 0.00022; gnomAD 0.00097 and 0.00102; gnomAD exomes 0.00124; ExAC 0.00163.
gnomAD v4.1: 1,215 of 1,612,714 alleles (0.075%); highest among the groups gnomAD compares: Non-Finnish European, 0.052%; 4 homozygotes.

Submissions (10):

Labcorp Genetics (formerly Invitae), Labcorp
Classification: Benign for Charcot-Marie-Tooth disease dominant intermediate B. Last evaluated: 2026-01-26. Review status: criteria provided, single submitter. Criteria: Invitae Variant Classification Sherloc (09022015). Collection method: clinical testing. Allele origin: germline.

Blueprint Genetics
Classification: Likely benign. Last evaluated: 2024-11-20. Review status: criteria provided, single submitter. Criteria: ACMG Guidelines, 2015. Collection method: clinical testing. Allele origin: germline.

Mayo Clinic Laboratories, Mayo Clinic
Classification: Benign. Last evaluated: 2024-08-13. Review status: criteria provided, single submitter. Criteria: ACMG Guidelines, 2015. Collection method: clinical testing. Allele origin: germline. Observed: 4 variant alleles.
Comment: BS1, BS2, BP4, BP7

CeGaT Center for Human Genetics Tuebingen
Classification: Likely benign. Last evaluated: 2024-02-01. Review status: criteria provided, single submitter. Criteria: CeGaT Center For Human Genetics Tuebingen Variant Classification Criteria Version 2. Collection method: clinical testing. Allele origin: germline. Affected: yes. Observed: 1 variant allele.
Comment: DNM2: BP4, BP7

Athena Diagnostics
Classification: Benign. Last evaluated: 2019-09-25. Review status: criteria provided, single submitter. Criteria: Athena Diagnostics Criteria. Collection method: clinical testing. Allele origin: unknown.

GeneDx
Classification: Likely benign. Last evaluated: 2019-09-03. Review status: criteria provided, single submitter. Criteria: GeneDx Variant Classification Process June 2021. Collection method: clinical testing. Allele origin: germline. Affected: yes.

Ambry Genetics
Classification: Likely benign for Inborn genetic diseases. Last evaluated: 2019-07-11. Review status: criteria provided, single submitter. Criteria: Ambry Variant Classification Scheme 2023. Collection method: clinical testing. Allele origin: germline.

Illumina Laboratory Services, Illumina
Classification: Benign for Charcot-Marie-Tooth disease dominant intermediate B. Last evaluated: 2018-01-13. Review status: criteria provided, single submitter. Criteria: ICSL Variant Classification Criteria 13 December 2019. Collection method: clinical testing. Allele origin: germline.
Comment: This variant was observed in the ICSL laboratory as part of a predisposition screen in an ostensibly healthy population. It had not been previously curated by ICSL or reported in the Human Gene Mutation Database (HGMD: prior to June 1st, 2018), and was therefore a candidate for classification through an automated scoring system. Utilizing variant allele frequency, disease prevalence and penetrance estimates, and inheritance mode, an automated score was calculated to assess if this variant is too frequent to cause the disease. Based on the score and internal cut-off values, a variant classified as benign is not then subjected to further curation. The score for this variant resulted in a classification of benign for this disease.

Illumina Laboratory Services, Illumina
Classification: Benign for Autosomal dominant centronuclear myopathy. Last evaluated: 2018-01-13. Review status: criteria provided, single submitter. Criteria: ICSL Variant Classification Criteria 13 December 2019. Collection method: clinical testing. Allele origin: germline.
Comment: the same text as in the submission from Illumina Laboratory Services, Illumina above.

Genetic Services Laboratory, University of Chicago
Classification: Benign. Last evaluated: 2016-07-01. Review status: criteria provided, single submitter. Criteria: ACMG Guidelines, 2015. Collection method: clinical testing. Allele origin: germline. Affected: no.